The following is an entry in ClinVar:

ClinVar aggregate classification (germline): Uncertain significance. Review status: criteria provided, multiple submitters, no conflicts (2 of 4 stars). 2 submissions from 2 submitters: Uncertain significance (2). Last evaluated 2026-07-08.

Conditions:
Inborn genetic diseases. Identifiers: MedGen C0950123, MeSH D030342.

Submissions (2):

Ambry Genetics
Classification: Uncertain significance for Inborn genetic diseases. Last evaluated: 2026-07-08. Review status: criteria provided, single submitter. Criteria: Ambry Variant Classification Scheme 2023. Collection method: clinical testing. Allele origin: germline.

GeneDx
Classification: Uncertain significance. Last evaluated: 2025-05-23. Review status: criteria provided, single submitter. Criteria: GeneDx Variant Classification Process June 2021. Collection method: clinical testing. Allele origin: germline. Affected: yes.
Comment: Not observed at significant frequency in large population cohorts (gnomAD); In silico analysis supports that this missense variant has a deleterious effect on protein structure/function; Has not been previously published as pathogenic or benign to our knowledge

NM_005121.3(MED13):c.4104T>G (p.Asp1368Glu)

Gene: MED13 (mediator complex subunit 13; minus strand). Cytogenetic location: 17q23.2.
Variant type: single nucleotide variant.
Coding change: c.4104T>G on transcript NM_005121.3 (MANE Select); coding-DNA position 4104, T replaced by G.
Protein change: p.Asp1368Glu; replaces aspartic acid 1368 with glutamic acid.
Molecular consequence: missense variant.
Genome position (GRCh38, 1-based): chr17:61,968,122, A>C on the plus strand (T>G on the coding strand, the complement: MED13 is on the minus strand). VCF-style: chr17-61968122-A-C. GRCh37 (hg19) VCF-style: chr17-60045483-A-C.
Other names: short protein forms D1368E.
Identifiers: ClinVar variation 4532428 (VCV004532428.2).
Genomic context (GRCh38, chr17:61,968,122, plus strand): 5'-AAAGCTTTTTGCTCCATTTAACAAGGCTTCATTTTCTGGACACAGTACAACATAGGCTAT[A>C]TCTCTTTGAGATCCATAGGGTTCCAGCATAAGTCTCTCCCAATAAGGAAGAGCAAATGGA-3'
Protein context (NP_005112.2, residues 1358-1378): LMLEPYGSQR[Asp1368Glu]IAYVVLCPEN